The following is an entry in ClinVar:

ClinVar aggregate classification (germline): Uncertain significance (1 of 4 stars; one submission).

Submission:

Genetic Services Laboratory, University of Chicago
Classification: Uncertain significance. Last evaluated: 2023-01-20. Review status: criteria provided, single submitter. Criteria: ACMG Guidelines, 2015. Collection method: clinical testing. Allele origin: germline. Affected: no.
Comment: DNA sequence analysis of the PKD1 gene demonstrated a sequence change in intron 22, c.8162-9T>G. This change does not appear to have been previously described in individuals with PKD1-related disorders and has also not been described in population databases such as ExAC and gnomAD. Based on in-silico splice prediction programs, this sequence change is predicted to affect normal splicing of the PKD1 gene, which would result in an abnormal protein, however functional studies have not been performed to prove this conclusively. It is possible that this sequence change represents a benign sequence change in the PKD1 gene that has not been identified to date. The functional significance of this sequence change is not known at present and its contribution to this individual's disease phenotype cannot definitively be determined.

NM_001009944.3(PKD1):c.8162-9T>G

Gene: PKD1 (polycystin 1, transient receptor potential channel interacting; minus strand). Cytogenetic location: 16p13.3.
Variant type: single nucleotide variant.
Coding change: c.8162-9T>G on transcript NM_001009944.3 (MANE Select); 9 bases into the intron before coding-DNA position 8162, T replaced by G.
Molecular consequence: intron variant.
Genome position (GRCh38, 1-based): chr16:2,103,904, A>C on the plus strand (T>G on the coding strand, the complement: PKD1 is on the minus strand). VCF-style: chr16-2103904-A-C. GRCh37 (hg19) VCF-style: chr16-2153905-A-C.
Other names: c.8162-9T>G (NM_000296.4).
Identifiers: ClinVar variation 4082493 (VCV004082493.2).
Genomic context (GRCh38, chr16:2,103,904, plus strand): 5'-TCTGAGGGCTGTGGTGCCCGCACGTCCGAGCTGGCCAGGTGGATGAGGTCTCCTGCAGAC[A>C]TGCGTGAGGTCAGTGCAGAGACAGGGAGGTAGAGGGAGGGTGGGGGCAGGCAAAAAGGGG-3'